The following is an entry in ClinVar:

ClinVar aggregate classification (germline): Uncertain significance (1 of 4 stars; one submission).

Submission:

GeneDx
Classification: Uncertain significance. Last evaluated: 2024-03-04. Review status: criteria provided, single submitter. Criteria: GeneDx Variant Classification Process June 2021. Collection method: clinical testing. Allele origin: germline. Affected: yes.
Comment: Not observed at significant frequency in large population cohorts (gnomAD); In silico analysis supports that this missense variant does not alter protein structure/function; Has not been previously published as pathogenic or benign to our knowledge

NM_020922.5(WNK3):c.2428A>G (p.Ile810Val)

Gene: WNK3 (WNK lysine deficient protein kinase 3; minus strand). Cytogenetic location: Xp11.22.
Variant type: single nucleotide variant.
Coding change: c.2428A>G on transcript NM_020922.5 (MANE Select); coding-DNA position 2428, A replaced by G.
Protein change: p.Ile810Val; replaces isoleucine 810 with valine.
Molecular consequence: missense variant.
Genome position (GRCh38, 1-based): chrX:54,251,627, T>C on the plus strand (A>G on the coding strand, the complement: WNK3 is on the minus strand). VCF-style: chrX-54251627-T-C. GRCh37 (hg19) VCF-style: chrX-54278060-T-C.
Other names: c.2428A>G, p.Ile810Val (NM_001002838.4, NM_001395166.1); short protein forms I810V.
Identifiers: ClinVar variation 3361101 (VCV003361101.1).